The following is an entry in ClinVar:

ClinVar aggregate classification (germline): Uncertain significance (1 of 4 stars; one submission).

Submission:

Labcorp Genetics (formerly Invitae), Labcorp
Classification: Uncertain significance. Last evaluated: 2025-04-22. Review status: criteria provided, single submitter. Criteria: Invitae Variant Classification Sherloc (09022015). Collection method: clinical testing. Allele origin: germline.
Comment: This sequence change replaces glutamine, which is neutral and polar, with proline, which is neutral and non-polar, at codon 373 of the KAT6A protein (p.Gln373Pro). This variant is not present in population databases (gnomAD no frequency). This variant has not been reported in the literature in individuals affected with KAT6A-related conditions. Invitae Evidence Modeling of protein sequence and biophysical properties (such as structural, functional, and spatial information, amino acid conservation, physicochemical variation, residue mobility, and thermodynamic stability) indicates that this missense variant is not expected to disrupt KAT6A protein function with a negative predictive value of 95%. In summary, the available evidence is currently insufficient to determine the role of this variant in disease. Therefore, it has been classified as a Variant of Uncertain Significance.

NM_006766.5(KAT6A):c.1118A>C (p.Gln373Pro)

Gene: KAT6A (lysine acetyltransferase 6A; minus strand). Cytogenetic location: 8p11.21.
Variant type: single nucleotide variant.
Coding change: c.1118A>C on transcript NM_006766.5 (MANE Select); coding-DNA position 1118, A replaced by C.
Protein change: p.Gln373Pro; replaces glutamine 373 with proline.
Molecular consequence: missense variant.
Genome position (GRCh38, 1-based): chr8:41,977,253, T>G on the plus strand (A>C on the coding strand, the complement: KAT6A is on the minus strand). VCF-style: chr8-41977253-T-G. GRCh37 (hg19) VCF-style: chr8-41834771-T-G.
Other names: c.1118A>C, p.Gln373Pro (NM_001305878.2); short protein forms Q373P.
Identifiers: ClinVar variation 4747371 (VCV004747371.1).